The following is an entry in ClinVar:

NM_004958.4(MTOR):c.3268C>G (p.Arg1090Gly)

Gene: MTOR (mechanistic target of rapamycin kinase; minus strand). Cytogenetic location: 1p36.22.
Variant type: single nucleotide variant.
Coding change: c.3268C>G on transcript NM_004958.4 (MANE Select); coding-DNA position 3268, C replaced by G.
Protein change: p.Arg1090Gly; replaces arginine 1090 with glycine.
Molecular consequence: missense variant.
Genome position (GRCh38, 1-based): chr1:11,213,416, G>C on the plus strand (C>G on the coding strand, the complement: MTOR is on the minus strand). VCF-style: chr1-11213416-G-C. GRCh37 (hg19) VCF-style: chr1-11273473-G-C.
Other names: c.3268C>G, p.Arg1090Gly (NM_001386500.1); c.2020C>G, p.Arg674Gly (NM_001386501.1); short protein forms R1090G, R674G.
Identifiers: ClinVar variation 1999510 (VCV001999510.4), dbSNP rs761539813, ClinGen allele CA338374606.

ClinVar aggregate classification (germline): Uncertain significance (1 of 4 stars; one submission).

Submission:

Labcorp Genetics (formerly Invitae), Labcorp
Classification: Uncertain significance. Last evaluated: 2023-07-07. Review status: criteria provided, single submitter. Criteria: Invitae Variant Classification Sherloc (09022015). Collection method: clinical testing. Allele origin: germline.
Comment: This sequence change replaces arginine, which is basic and polar, with glycine, which is neutral and non-polar, at codon 1090 of the MTOR protein (p.Arg1090Gly). This variant is not present in population databases (gnomAD no frequency). This variant has not been reported in the literature in individuals affected with MTOR-related conditions. ClinVar contains an entry for this variant (Variation ID: 1999510). Advanced modeling of protein sequence and biophysical properties (such as structural, functional, and spatial information, amino acid conservation, physicochemical variation, residue mobility, and thermodynamic stability) performed at Invitae indicates that this missense variant is not expected to disrupt MTOR protein function. In summary, the available evidence is currently insufficient to determine the role of this variant in disease. Therefore, it has been classified as a Variant of Uncertain Significance.